The following is an entry in ClinVar:

ClinVar aggregate classification (germline): Uncertain significance (1 of 4 stars; one submission).

Submission:

Labcorp Genetics (formerly Invitae), Labcorp
Classification: Uncertain significance. Last evaluated: 2022-08-06. Review status: criteria provided, single submitter. Criteria: Invitae Variant Classification Sherloc (09022015). Collection method: clinical testing. Allele origin: germline.
Comment: In summary, the available evidence is currently insufficient to determine the role of this variant in disease. Therefore, it has been classified as a Variant of Uncertain Significance. Algorithms developed to predict the effect of missense changes on protein structure and function are either unavailable or do not agree on the potential impact of this missense change (SIFT: "Not Available"; PolyPhen-2: "Probably Damaging"; Align-GVGD: "Not Available"). This variant has not been reported in the literature in individuals affected with PTPN23-related conditions. This variant is present in population databases (no rsID available, gnomAD 0.07%). This sequence change replaces glycine, which is neutral and non-polar, with valine, which is neutral and non-polar, at codon 1417 of the PTPN23 protein (p.Gly1417Val).

NM_015466.4(PTPN23):c.4250_4251delinsTT (p.Gly1417Val)

Gene: PTPN23 (protein tyrosine phosphatase non-receptor type 23; plus strand). Cytogenetic location: 3p21.31.
Variant type: Indel.
Coding change: c.4250_4251delinsTT on transcript NM_015466.4 (MANE Select); coding-DNA positions 4250 to 4251, GA replaced by TT.
Protein change: p.Gly1417Val; replaces glycine 1417 with valine.
Molecular consequence: missense variant.
Genome position (GRCh38, 1-based): chr3:47,412,354-47,412,355, GA replaced by TT. VCF-style: chr3-47412354-GA-TT. GRCh37 (hg19) VCF-style: chr3-47453844-GA-TT.
Other names: c.3872_3873delinsTT, p.Gly1291Val (NM_001304482.2); short protein forms G1417V, G1291V.
Identifiers: ClinVar variation 1928595 (VCV001928595.3), dbSNP rs2546258742, ClinGen allele CA2580070058.